The following is an entry in ClinVar:

NC_000013.10:g.(?_108860881)_(108863616_?)dup

Gene: LIG4 (DNA ligase 4; minus strand). Cytogenetic location: 13q33.3.
Variant type: Duplication.
Identifiers: ClinVar variation 2424400 (VCV002424400.3).

ClinVar aggregate classification (germline): Uncertain significance (1 of 4 stars; one submission).

Conditions:
DNA ligase IV deficiency. Identifiers: Orphanet 99812, MedGen C1847827, MONDO:0011686, OMIM 606593.

Submission:

Labcorp Genetics (formerly Invitae), Labcorp
Classification: Uncertain significance for DNA ligase IV deficiency. Last evaluated: 2022-05-20. Review status: criteria provided, single submitter. Criteria: Invitae Variant Classification Sherloc (09022015). Collection method: clinical testing. Allele origin: germline.
Comment: A copy number gain of the genomic region encompassing the full coding sequence of the LIG4 gene has been identified. The boundaries of this event are unknown as they extend beyond the assayed region for this gene and therefore may encompass additional genes. As the precise location of this event is unknown, it may be in tandem or it may be located elsewhere in the genome. This variant has not been reported in the literature in individuals affected with LIG4-related conditions. Experimental studies and prediction algorithms are not available or were not evaluated, and the functional significance of this variant is currently unknown. In summary, the available evidence is currently insufficient to determine the role of this variant in disease. Therefore, it has been classified as a Variant of Uncertain Significance.